The following is an entry in ClinVar:

NM_001197104.2(KMT2A):c.3065G>C (p.Arg1022Thr)

Gene: KMT2A (lysine methyltransferase 2A; plus strand). Cytogenetic location: 11q23.3.
Variant type: single nucleotide variant.
Coding change: c.3065G>C on transcript NM_001197104.2 (MANE Select); coding-DNA position 3065, G replaced by C.
Protein change: p.Arg1022Thr; replaces arginine 1022 with threonine.
Molecular consequence: missense variant.
Genome position (GRCh38, 1-based): chr11:118,474,224, G>C. VCF-style: chr11-118474224-G-C. GRCh37 (hg19) VCF-style: chr11-118344939-G-C.
Other names: c.3164G>C, p.Arg1055Thr (NM_001412597.1); c.3065G>C, p.Arg1022Thr (NM_005933.4); short protein forms R1022T, R1055T.
Identifiers: ClinVar variation 4800526 (VCV004800526.1).
Genomic context (GRCh38, chr11:118,474,224, plus strand): 5'-CCACTTCCTCCATAGGCTCCATGTTGGCTCAGGCAGACAAGCTTCCAATGACTGACAAGA[G>C]GGTTGCCAGCCTCCTAAAAAAGGCCAAAGCTCAGCTCTGCAAGATTGAGAAGAGTAAGAG-3'
Protein context (NP_001184033.1, residues 1012-1032): QADKLPMTDK[Arg1022Thr]VASLLKKAKA

ClinVar aggregate classification (germline): Uncertain significance (1 of 4 stars; one submission).

Submission:

Labcorp Genetics (formerly Invitae), Labcorp
Classification: Uncertain significance. Last evaluated: 2025-10-03. Review status: criteria provided, single submitter. Criteria: Invitae Variant Classification Sherloc (09022015). Collection method: clinical testing. Allele origin: germline.
Comment: This sequence change replaces arginine, which is basic and polar, with threonine, which is neutral and polar, at codon 1022 of the KMT2A protein (p.Arg1022Thr). This variant is not present in population databases (gnomAD no frequency). This variant has not been reported in the literature in individuals affected with KMT2A-related conditions. Invitae Evidence Modeling of protein sequence and biophysical properties (such as structural, functional, and spatial information, amino acid conservation, physicochemical variation, residue mobility, and thermodynamic stability) has been performed for this missense variant. However, the output from this modeling did not meet the statistical confidence thresholds required to predict the impact of this variant on KMT2A protein function. In summary, the available evidence is currently insufficient to determine the role of this variant in disease. Therefore, it has been classified as a Variant of Uncertain Significance.